The following is an entry in ClinVar:

ClinVar aggregate classification (germline): Uncertain significance (1 of 4 stars; one submission).

Conditions:
Cardiomyopathy (CMYO). Also called: Cardiomyopathies. Identifiers: Orphanet 167848, MedGen C0878544, MONDO:0004994, HP:0001638. Inheritance: Various modes of inheritance.

Allele frequency attached by ClinVar (database versions not stated): TOPMed below 0.00001; gnomAD exomes 0.00001.

Submission:

Color Diagnostics, LLC DBA Color Health
Classification: Uncertain significance for Cardiomyopathy. Last evaluated: 2021-10-12. Review status: criteria provided, single submitter. Criteria: ACMG Guidelines, 2015. Collection method: clinical testing. Allele origin: germline.
Comment: This missense variant replaces serine with leucine at codon 18 of the MYBPC3 protein. Computational prediction suggests that this variant may not impact protein structure and function (internally defined REVEL score threshold <= 0.5, PMID: 27666373). To our knowledge, functional studies have not been reported for this variant. This variant has not been reported in individuals affected with cardiovascular disorders in the literature. This variant has been identified in 1/236542 chromosomes in the general population by the Genome Aggregation Database (gnomAD). The available evidence is insufficient to determine the role of this variant in disease conclusively. Therefore, this variant is classified as a Variant of Uncertain Significance.

NM_000256.3(MYBPC3):c.53C>T (p.Ser18Leu)

Gene: MYBPC3 (myosin binding protein C3; minus strand). Cytogenetic location: 11p11.2.
Variant type: single nucleotide variant.
Coding change: c.53C>T on transcript NM_000256.3 (MANE Select); coding-DNA position 53, C replaced by T.
Protein change: p.Ser18Leu; replaces serine 18 with leucine.
Molecular consequence: missense variant.
Genome position (GRCh38, 1-based): chr11:47,351,478, G>A on the plus strand (C>T on the coding strand, the complement: MYBPC3 is on the minus strand). VCF-style: chr11-47351478-G-A. GRCh37 (hg19) VCF-style: chr11-47373029-G-A.
Other names: short protein forms S18L.
Identifiers: ClinVar variation 2773775 (VCV002773775.2), dbSNP rs1320775536, ClinGen allele CA380342020.